The following is an entry in ClinVar:

ClinVar aggregate classification (germline): Benign. Review status: criteria provided, multiple submitters, no conflicts (2 of 4 stars). 3 submissions from 3 submitters: Benign (3). Last evaluated 2018-07-10.

Allele frequency attached by ClinVar (database versions not stated): gnomAD 0.19439; 1000 Genomes Project 30x 0.20550; 1000 Genomes Project 0.20946; TOPMed 0.21116.
gnomAD v4.1: 234,604 of 1,509,874 alleles (16%); highest among the groups gnomAD compares: African/African-American, 36%; 20,654 homozygotes.

Submissions (3):

ARUP Laboratories, Molecular Genetics and Genomics, ARUP Laboratories
Classification: Benign. Last evaluated: 2018-07-10. Review status: criteria provided, single submitter. Criteria: ARUP Molecular Germline Variant Investigation Process. Collection method: clinical testing. Allele origin: germline.

GeneDx
Classification: Benign. Last evaluated: 2018-06-14. Review status: criteria provided, single submitter. Criteria: GeneDx Variant Classification (06012015). Collection method: clinical testing. Allele origin: germline. Affected: yes.
Comment: This variant is considered likely benign or benign based on one or more of the following criteria: it is a conservative change, it occurs at a poorly conserved position in the protein, it is predicted to be benign by multiple in silico algorithms, and/or has population frequency not consistent with disease.

Breakthrough Genomics
Classification: Benign. Review status: criteria provided, single submitter. Criteria: ACMG Guidelines, 2015. Collection method: not provided. Allele origin: germline. Inheritance: Autosomal dominant inheritance. Affected: yes.

NM_000142.5(FGFR3):c.930+72C>G

Gene: FGFR3 (fibroblast growth factor receptor 3; plus strand). Cytogenetic location: 4p16.3.
Variant type: single nucleotide variant.
Coding change: c.930+72C>G on transcript NM_000142.5 (MANE Select); 72 bases into the intron after coding-DNA position 930, C replaced by G.
Molecular consequence: intron variant.
Genome position (GRCh38, 1-based): chr4:1,802,097, C>G. VCF-style: chr4-1802097-C-G. GRCh37 (hg19) VCF-style: chr4-1803824-C-G.
Other names: c.930+72C>G (NM_001163213.2, NM_001354809.2, NM_001354810.2 and 1 more transcripts).
Identifiers: ClinVar variation 674877 (VCV000674877.10), dbSNP rs2305184, ClinGen allele CA11714288.